The following is an entry in ClinVar:

NM_206926.2(SELENON):c.32C>T (p.Pro11Leu)

Gene: SELENON (selenoprotein N; plus strand). Cytogenetic location: 1p36.11.
Variant type: single nucleotide variant.
Coding change: c.32C>T on transcript NM_206926.2 (MANE Select); coding-DNA position 32, C replaced by T.
Protein change: p.Pro11Leu; replaces proline 11 with leucine.
Molecular consequence: missense variant.
Genome position (GRCh38, 1-based): chr1:25,800,262, C>T. VCF-style: chr1-25800262-C-T. GRCh37 (hg19) VCF-style: chr1-26126753-C-T.
Other names: c.32C>T, p.Pro11Leu (NM_020451.3); short protein forms P11L.
Identifiers: ClinVar variation 3392620 (VCV003392620.1).
Genomic context (GRCh38, chr1:25,800,262, plus strand): 5'-GCCGCCGGCAGCCGCCGCCAGCCGCAGCCATGGGCCGGGCCCGGCCGGGCCAACGCGGGC[C>T]GCCCAGCCCCGGCCCCGCCGCGCAGCCTCCCGCGCCACCGCGCCGCCGCGCCCGTTCCCT-3'
Protein context (NP_996809.1, residues 1-21): MGRARPGQRG[Pro11Leu]PSPGPAAQPP

ClinVar aggregate classification (germline): Uncertain significance (1 of 4 stars; one submission).

gnomAD v4.1: 8 of 941,020 alleles (0.00085%); highest among the groups gnomAD compares: African/African-American, 0.0072%; no homozygotes.

Submission:

GeneDx
Classification: Uncertain significance. Last evaluated: 2024-06-23. Review status: criteria provided, single submitter. Criteria: GeneDx Variant Classification Process June 2021. Collection method: clinical testing. Allele origin: germline. Affected: yes.
Comment: Not observed at significant frequency in large population cohorts (gnomAD); In silico analysis indicates that this missense variant does not alter protein structure/function; Has not been previously published as pathogenic or benign to our knowledge